The following is an entry in ClinVar:

NM_152424.4(AMER1):c.3377C>T (p.Ser1126Phe)

Gene: AMER1 (APC membrane recruitment protein 1; minus strand). Cytogenetic location: Xq11.2.
Variant type: single nucleotide variant.
Coding change: c.3377C>T on transcript NM_152424.4 (MANE Select); coding-DNA position 3377, C replaced by T.
Protein change: p.Ser1126Phe; replaces serine 1126 with phenylalanine.
Molecular consequence: missense variant.
Genome position (GRCh38, 1-based): chrX:64,189,910, G>A on the plus strand (C>T on the coding strand, the complement: AMER1 is on the minus strand). VCF-style: chrX-64189910-G-A. GRCh37 (hg19) VCF-style: chrX-63409790-G-A.
Other names: short protein forms S1126F.
Identifiers: ClinVar variation 2785968 (VCV002785968.3), dbSNP rs766945332, ClinGen allele CA413300929.

ClinVar aggregate classification (germline): Uncertain significance (1 of 4 stars; one submission).

Submission:

Labcorp Genetics (formerly Invitae), Labcorp
Classification: Uncertain significance. Last evaluated: 2023-10-03. Review status: criteria provided, single submitter. Criteria: Invitae Variant Classification Sherloc (09022015). Collection method: clinical testing. Allele origin: germline.
Comment: This sequence change replaces serine, which is neutral and polar, with phenylalanine, which is neutral and non-polar, at codon 1126 of the AMER1 protein (p.Ser1126Phe). This variant is not present in population databases (gnomAD no frequency). This variant has not been reported in the literature in individuals affected with AMER1-related conditions. An algorithm developed to predict the effect of missense changes on protein structure and function (PolyPhen-2) suggests that this variant is likely to be disruptive. In summary, the available evidence is currently insufficient to determine the role of this variant in disease. Therefore, it has been classified as a Variant of Uncertain Significance.